The following is an entry in ClinVar:

ClinVar aggregate classification (germline): Conflicting classifications of pathogenicity. Review status: criteria provided, conflicting classifications (1 of 4 stars). 3 submissions from 3 submitters: Uncertain significance (2); Likely benign (1). Last evaluated 2023-08-23.

Conditions:
Atrial fibrillation, familial, 4 (ATFB4). Identifiers: MedGen C1862394, MONDO:0012677, OMIM 611493.
Long QT syndrome 6 (LQT6). Identifiers: Orphanet 101016, Orphanet 768, MedGen C3150953, MONDO:0013370, OMIM 613693.
Cardiovascular phenotype. Identifiers: MedGen CN230736.

Allele frequency attached by ClinVar (database versions not stated): gnomAD 0.00001 and 0.00002; gnomAD exomes 0.00001 and 0.00002; ExAC 0.00002; TOPMed 0.00003.

Submissions (3):

Ambry Genetics
Classification: Likely benign for Cardiovascular phenotype. Last evaluated: 2023-08-23. Review status: criteria provided, single submitter. Criteria: Ambry Variant Classification Scheme 2023. Collection method: clinical testing. Allele origin: germline.

Labcorp Genetics (formerly Invitae), Labcorp
Classification: Uncertain significance for Long QT syndrome 6. Last evaluated: 2022-07-12. Review status: criteria provided, single submitter. Criteria: Invitae Variant Classification Sherloc (09022015). Collection method: clinical testing. Allele origin: germline.
Comment: This sequence change creates a premature translational stop signal (p.Val49Cysfs*34) in the KCNE2 gene. While this is not anticipated to result in nonsense mediated decay, it is expected to disrupt the last 75 amino acid(s) of the KCNE2 protein. This variant is present in population databases (rs751276927, gnomAD 0.01%). This variant has not been reported in the literature in individuals affected with KCNE2-related conditions. ClinVar contains an entry for this variant (Variation ID: 1475863). In summary, the available evidence is currently insufficient to determine the role of this variant in disease. Therefore, it has been classified as a Variant of Uncertain Significance.

Fulgent Genetics
Classification: Uncertain significance for Atrial fibrillation, familial, 4; Long QT syndrome 6. Last evaluated: 2021-11-16. Review status: criteria provided, single submitter. Criteria: ACMG Guidelines, 2015. Collection method: clinical testing. Allele origin: unknown.

NM_172201.2(KCNE2):c.144dup (p.Val49fs)

Genes: KCNE2 (potassium voltage-gated channel subfamily E regulatory subunit 2; plus strand), LOC105372791 (uncharacterized LOC105372791; minus strand). Cytogenetic location: 21q22.11.
Variant type: Duplication.
Coding change: c.144dup on transcript NM_172201.2 (MANE Select); coding-DNA position 144, one base duplicated (T; older notation c.144dupT).
Protein change: p.Val49fs; shifts the reading frame from valine 49.
Molecular consequence: frameshift variant.
Genome position (GRCh38, 1-based): chr21:34,370,622, T duplicated. VCF-style (leftmost placement, unchanged base first): chr21-34370621-A-AT. GRCh37 (hg19) VCF-style: chr21-35742920-A-AT.
Other names: c.144dupT (NM_172201.1); short protein forms V49fs.
Identifiers: ClinVar variation 1475863 (VCV001475863.6), dbSNP rs751276927, ClinGen allele CA10013410.
Genomic context (GRCh38, chr21:34,370,621, plus strand): 5'-AGAACACAACAGCTGAGCAAGAGGCCCTCCAAGCCAAAGTTGATGCTGAGAACTTCTACT[A>AT]TGTCATCCTGTACCTCATGGTGATGATTGGAATGTTCTCTTTCATCATCGTGGCCATCCT-3'